The following is an entry in ClinVar:

NM_025207.5(FLAD1):c.1555-10G>A

Gene: FLAD1 (flavin adenine dinucleotide synthetase 1; plus strand). Cytogenetic location: 1q21.3.
Variant type: single nucleotide variant.
Coding change: c.1555-10G>A on transcript NM_025207.5 (MANE Select); 10 bases into the intron before coding-DNA position 1555, G replaced by A.
Molecular consequence: intron variant.
Genome position (GRCh38, 1-based): chr1:154,992,703, G>A. VCF-style: chr1-154992703-G-A. GRCh37 (hg19) VCF-style: chr1-154965179-G-A.
Other names: c.1264-10G>A (NM_001184891.2, NM_201398.3).
Identifiers: ClinVar variation 507865 (VCV000507865.1), dbSNP rs1227440416, ClinGen allele CA526666933.

ClinVar aggregate classification (germline): Likely benign (1 of 4 stars; one submission).

Allele frequency attached by ClinVar (database versions not stated): gnomAD exomes below 0.00001; TOPMed 0.00001; gnomAD 0.00003.

Submission:

GeneDx
Classification: Likely benign. Last evaluated: 2017-03-20. Review status: criteria provided, single submitter. Criteria: GeneDx Variant Classification (06012015). Collection method: clinical testing. Allele origin: germline. Affected: yes.
Comment: This variant is considered likely benign or benign based on one or more of the following criteria: it is a conservative change, it occurs at a poorly conserved position in the protein, it is predicted to be benign by multiple in silico algorithms, and/or has population frequency not consistent with disease.